The following is an entry in ClinVar:

ClinVar aggregate classification (germline): Uncertain significance. Review status: criteria provided, multiple submitters, no conflicts (2 of 4 stars). 2 submissions from 2 submitters: Uncertain significance (2). Last evaluated 2025-11-26.

Conditions:
Inborn genetic diseases. Identifiers: MedGen C0950123, MeSH D030342.

Allele frequency attached by ClinVar (database versions not stated): ExAC 0.00002; gnomAD 0.00002 and 0.00003; gnomAD exomes 0.00002 and 0.00004; TOPMed 0.00005.
gnomAD v4.1: 42 of 1,613,706 alleles (0.0026%); highest among the groups gnomAD compares: Middle Eastern, 0.033%; no homozygotes.

Submissions (2):

Labcorp Genetics (formerly Invitae), Labcorp
Classification: Uncertain significance. Last evaluated: 2025-11-26. Review status: criteria provided, single submitter. Criteria: Invitae Variant Classification Sherloc (09022015). Collection method: clinical testing. Allele origin: germline.
Comment: This sequence change replaces glutamine, which is neutral and polar, with glutamic acid, which is acidic and polar, at codon 1792 of the PCLO protein (p.Gln1792Glu). This variant is present in population databases (rs768856183, gnomAD 0.01%). This variant has not been reported in the literature in individuals affected with PCLO-related conditions. ClinVar contains an entry for this variant (Variation ID: 1419308). Experimental studies and prediction algorithms are not available or were not evaluated, and the functional significance of this variant is currently unknown. In summary, the available evidence is currently insufficient to determine the role of this variant in disease. Therefore, it has been classified as a Variant of Uncertain Significance.

Ambry Genetics
Classification: Uncertain significance for Inborn genetic diseases. Last evaluated: 2025-06-25. Review status: criteria provided, single submitter. Criteria: Ambry Variant Classification Scheme 2023. Collection method: clinical testing. Allele origin: germline.

NM_033026.6(PCLO):c.5374C>G (p.Gln1792Glu)

Gene: PCLO (piccolo presynaptic cytomatrix protein; minus strand). Cytogenetic location: 7q21.11.
Variant type: single nucleotide variant.
Coding change: c.5374C>G on transcript NM_033026.6 (MANE Select); coding-DNA position 5374, C replaced by G.
Protein change: p.Gln1792Glu; replaces glutamine 1792 with glutamic acid.
Molecular consequence: missense variant.
Genome position (GRCh38, 1-based): chr7:82,955,579, G>C on the plus strand (C>G on the coding strand, the complement: PCLO is on the minus strand). VCF-style: chr7-82955579-G-C. GRCh37 (hg19) VCF-style: chr7-82584895-G-C.
Other names: c.5374C>G (NM_033026.5); c.5374C>G, p.Gln1792Glu (NM_014510.3); short protein forms Q1792E.
Identifiers: ClinVar variation 1419308 (VCV001419308.7), dbSNP rs768856183, ClinGen allele CA4320661.
Genomic context (GRCh38, chr7:82,955,579, plus strand): 5'-CTTTGTCTTTCTTTGATTTTTTACTAGAACTCTTTCTTTGTTGCTGTTCTATTTCCCTCT[G>C]CTTTTCTTGCTCCTTTAATAATTCTTCTTCCTCTCTCAATTCTTCTTCCTCTGAAGAATC-3'
Protein context (NP_149015.2, residues 1782-1802): EEELLKEQEK[Gln1792Glu]REIEQQQRKS